The following is an entry in ClinVar:

ClinVar aggregate classification (germline): Uncertain significance. Review status: criteria provided, multiple submitters, no conflicts (2 of 4 stars). 2 submissions from 2 submitters: Uncertain significance (2). Last evaluated 2026-03-24.

Allele frequency attached by ClinVar (database versions not stated): gnomAD exomes below 0.00001; TOPMed below 0.00001; gnomAD 0.00001.
gnomAD v4.1: 2 of 1,614,018 alleles (0.00012%); highest among the groups gnomAD compares: Non-Finnish European, 0.00017%; no homozygotes.

Submissions (2):

Women's Health and Genetics/Laboratory Corporation of America, LabCorp
Classification: Uncertain significance. Last evaluated: 2026-03-24. Review status: criteria provided, single submitter. Criteria: LabCorp Variant Classification Summary - May 2015. Collection method: clinical testing. Allele origin: germline.
Comment: Variant summary: MYH9 c.4222T>C (p.Tyr1408His) results in a conservative amino acid change located in the Myosin tail domain (IPR002928) of the encoded protein sequence. Algorithms developed to predict the effect of missense changes on protein structure and function are either unavailable or do not agree on the potential impact of this missense change. The variant was absent in 251414 control chromosomes. The available data on variant occurrences in the general population are insufficient to allow any conclusion about variant significance. To our knowledge, no occurrence of c.4222T>C in individuals affected with MYH9-related conditions and no experimental evidence demonstrating its impact on protein function have been reported. ClinVar contains an entry for this variant (Variation ID: 1878231). Based on the evidence outlined above, the variant was classified as uncertain significance.

Labcorp Genetics (formerly Invitae), Labcorp
Classification: Uncertain significance. Last evaluated: 2023-06-03. Review status: criteria provided, single submitter. Criteria: Invitae Variant Classification Sherloc (09022015). Collection method: clinical testing. Allele origin: germline.
Comment: In summary, the available evidence is currently insufficient to determine the role of this variant in disease. Therefore, it has been classified as a Variant of Uncertain Significance. Advanced modeling of protein sequence and biophysical properties (such as structural, functional, and spatial information, amino acid conservation, physicochemical variation, residue mobility, and thermodynamic stability) performed at Invitae indicates that this missense variant is not expected to disrupt MYH9 protein function. ClinVar contains an entry for this variant (Variation ID: 1878231). This variant has not been reported in the literature in individuals affected with MYH9-related conditions. This variant is not present in population databases (gnomAD no frequency). This sequence change replaces tyrosine, which is neutral and polar, with histidine, which is basic and polar, at codon 1408 of the MYH9 protein (p.Tyr1408His).

NM_002473.6(MYH9):c.4222T>C (p.Tyr1408His)

Gene: MYH9 (myosin heavy chain 9; minus strand). Cytogenetic location: 22q12.3.
Variant type: single nucleotide variant.
Coding change: c.4222T>C on transcript NM_002473.6 (MANE Select); coding-DNA position 4222, T replaced by C.
Protein change: p.Tyr1408His; replaces tyrosine 1408 with histidine.
Molecular consequence: missense variant.
Genome position (GRCh38, 1-based): chr22:36,292,108, A>G on the plus strand (T>C on the coding strand, the complement: MYH9 is on the minus strand). VCF-style: chr22-36292108-A-G. GRCh37 (hg19) VCF-style: chr22-36688154-A-G.
Other names: short protein forms Y1408H.
Identifiers: ClinVar variation 1878231 (VCV001878231.5), dbSNP rs1271789474, ClinGen allele CA411382696.